The following is an entry in ClinVar:

ClinVar aggregate classification (germline): Uncertain significance (1 of 4 stars; one submission).

Conditions:
PLXNA2-related disorder. Also called: PLXNA2-related condition.

Allele frequency attached by ClinVar (database versions not stated): 1000 Genomes Project 30x 0.00016; 1000 Genomes Project 0.00020.
gnomAD v4.1: 131 of 1,612,780 alleles (0.0081%); highest among the groups gnomAD compares: South Asian, 0.03%; no homozygotes.

Submission:

PreventionGenetics, part of Exact Sciences
Classification: Uncertain significance for PLXNA2-related condition. Last evaluated: 2025-12-19. Review status: criteria provided, single submitter. Criteria: ACMG Guidelines, 2015. Collection method: clinical testing. Allele origin: germline.
Comment: The PLXNA2 c.47G>A variant is predicted to result in the amino acid substitution p.Arg16His. To our knowledge, this variant has not been reported in the literature. This variant is reported in 0.029% of alleles in individuals of South Asian descent in gnomAD. At this time, the clinical significance of this variant is uncertain due to the absence of conclusive functional and genetic evidence.

NM_025179.4(PLXNA2):c.47G>A (p.Arg16His)

Gene: PLXNA2 (plexin A2; minus strand). Cytogenetic location: 1q32.2.
Variant type: single nucleotide variant.
Coding change: c.47G>A on transcript NM_025179.4 (MANE Select); coding-DNA position 47, G replaced by A.
Protein change: p.Arg16His; replaces arginine 16 with histidine.
Molecular consequence: missense variant.
Genome position (GRCh38, 1-based): chr1:208,217,876, C>T on the plus strand (G>A on the coding strand, the complement: PLXNA2 is on the minus strand). VCF-style: chr1-208217876-C-T. GRCh37 (hg19) VCF-style: chr1-208391221-C-T.
Other names: short protein forms R16H.
Identifiers: ClinVar variation 2636005 (VCV002636005.2), dbSNP rs368987214, ClinGen allele CA1374146.
Genomic context (GRCh38, chr1:208,217,876, plus strand): 5'-GGCATGCCGGCTGCTGGGGGGGCCAGCAGCACCCAGACCACTGAGAGCAGGACCACAGAG[C>T]GGCTGTCCACCTCCAGGGCCCGGGGCCAGGGCCGCCTCTGTTCCATGCTGAGAGGGGCGG-3'
Protein context (NP_079455.3, residues 6-26): PWPRALEVDS[Arg16His]SVVLLSVVWV